The following is an entry in ClinVar:

NM_153700.2(STRC):c.5275C>T (p.Arg1759Ter)

Gene: STRC (stereocilin; minus strand). Cytogenetic location: 15q15.3.
Variant type: single nucleotide variant.
Coding change: c.5275C>T on transcript NM_153700.2 (MANE Select); coding-DNA position 5275, C replaced by T.
Protein change: p.Arg1759Ter; replaces arginine 1759 with a stop codon.
Molecular consequence: nonsense.
Genome position (GRCh38, 1-based): chr15:43,599,725, G>A on the plus strand (C>T on the coding strand, the complement: STRC is on the minus strand). VCF-style: chr15-43599725-G-A. GRCh37 (hg19) VCF-style: chr15-43891923-G-A.
Other names: short protein forms R1759*.
Identifiers: ClinVar variation 4979821 (VCV004979821.1).

ClinVar aggregate classification (germline): Uncertain significance (1 of 4 stars; one submission).

Conditions:
STRC-related disorder. Also called: STRC-related condition.

Submission:

PreventionGenetics, part of Exact Sciences
Classification: Uncertain significance for STRC-related condition. Last evaluated: 2026-07-02. Review status: criteria provided, single submitter. Criteria: ACMG Guidelines, 2015. Collection method: clinical testing. Allele origin: germline.
Comment: The STRC c.5275C>T variant is predicted to result in premature protein termination (p.Arg1759*). This variant was reported in an individual with non-syndromic hearing loss along with a deletion of exon 5 which is not predicted to disrupt the reading frame (Markova et al. 2020. PubMed ID: 32705992). This variant has not been reported in a large population database (gnomAD), indicating this variant is rare. This variant occurs in the last exon of STRC and no downstream premature termination variants have been reported as pathogenic. Although we suspect that this variant may be pathogenic, at this time, the clinical significance of this variant is uncertain due to the absence of conclusive functional and genetic evidence.